The following is an entry in ClinVar:

NM_018975.4(TERF2IP):c.353T>G (p.Leu118Arg)

Gene: TERF2IP (TERF2 interacting protein; plus strand). Cytogenetic location: 16q23.1.
Variant type: single nucleotide variant.
Coding change: c.353T>G on transcript NM_018975.4 (MANE Select); coding-DNA position 353, T replaced by G.
Protein change: p.Leu118Arg; replaces leucine 118 with arginine.
Molecular consequence: missense variant. On other transcripts: non-coding transcript variant (1).
Genome position (GRCh38, 1-based): chr16:75,648,235, T>G. VCF-style: chr16-75648235-T-G. GRCh37 (hg19) VCF-style: chr16-75682133-T-G.
Other names: short protein forms L118R.
Identifiers: ClinVar variation 1732458 (VCV001732458.2), dbSNP rs2507073766, ClinGen allele CA396817725.
Genomic context (GRCh38, chr16:75,648,235, plus strand): 5'-CCTATCGGCTGGGCCCCGCCTCGGCGGCGGACACCGGCTCGGAAGCAAAGCCCGGGGCCC[T>G]GGCCGAGGGCGCCGCGGAGCCGGAGCCGCAGCGGCACGCCGGGCGGATCGCCTTCACGGA-3'
Protein context (NP_061848.2, residues 108-128): DTGSEAKPGA[Leu118Arg]AEGAAEPEPQ

ClinVar aggregate classification (germline): Uncertain significance (1 of 4 stars; one submission).

Allele frequency attached by ClinVar (database versions not stated): gnomAD exomes below 0.00001.
gnomAD v4.1: 3 of 1,544,624 alleles (0.00019%); highest among the groups gnomAD compares: Non-Finnish European, 0.00026%; no homozygotes.

Submission:

Ambry Genetics
Classification: Uncertain significance. Last evaluated: 2021-12-11. Review status: criteria provided, single submitter. Criteria: Ambry Variant Classification Scheme 2023. Collection method: clinical testing. Allele origin: germline.
Comment: The p.L118R variant (also known as c.353T>G), located in coding exon 1 of the TERF2IP gene, results from a T to G substitution at nucleotide position 353. The leucine at codon 118 is replaced by arginine, an amino acid with dissimilar properties. This amino acid position is conserved. In addition, this alteration is predicted to be tolerated by in silico analysis. Since supporting evidence is limited at this time, the clinical significance of this alteration remains unclear.